The following is an entry in ClinVar:

ClinVar aggregate classification (germline): Conflicting classifications of pathogenicity. Review status: criteria provided, conflicting classifications (1 of 4 stars). 3 submissions from 3 submitters: Uncertain significance (1); Likely benign (2). Last evaluated 2024-10-14.

Conditions:
Hereditary cancer-predisposing syndrome. Also called: Hereditary neoplastic syndrome; Tumor predisposition; Neoplastic Syndromes, Hereditary; Hereditary Cancer Syndrome. Identifiers: Orphanet 140162, MedGen C0027672, MeSH D009386, MONDO:0015356.
Hereditary diffuse gastric adenocarcinoma (HDGC). Also called: DIFFUSE GASTRIC AND LOBULAR BREAST CANCER SYNDROME. Identifiers: Orphanet 26106, MedGen C1708349, MONDO:0007648, OMIM 137215.

Allele frequency attached by ClinVar (database versions not stated): gnomAD exomes below 0.00001; ExAC 0.00001.
gnomAD v4.1: 1 of 1,613,322 alleles (0.000062%); highest among the groups gnomAD compares: Middle Eastern, 0.017%; no homozygotes.

Submissions (3):

Myriad Genetics, Inc.
Classification: Likely benign for Hereditary diffuse gastric adenocarcinoma. Last evaluated: 2024-10-14. Review status: criteria provided, single submitter. Criteria: Myriad Autosomal Dominant, Autosomal Recessive and X-Linked Classification Criteria (2023). Collection method: clinical testing. Allele origin: unknown.
Comment: This variant is considered likely benign. This variant is intronic and is not expected to impact mRNA splicing.

Ambry Genetics
Classification: Uncertain significance for Hereditary cancer-predisposing syndrome. Last evaluated: 2024-04-26. Review status: criteria provided, single submitter. Criteria: Ambry Variant Classification Scheme 2023. Collection method: clinical testing. Allele origin: germline.
Comment: Based on insufficient or conflicting evidence, the clinical significance of this alteration remains unclear.

Labcorp Genetics (formerly Invitae), Labcorp
Classification: Likely benign. Last evaluated: 2022-10-24. Review status: criteria provided, single submitter. Criteria: Invitae Variant Classification Sherloc (09022015). Collection method: clinical testing. Allele origin: germline.

Literature cited by the submitters: PubMed 28106320 (cited by Ambry Genetics).

NM_001903.5(CTNNA1):c.1748-6C>T

Gene: CTNNA1 (catenin alpha 1; plus strand). Cytogenetic location: 5q31.2.
Variant type: single nucleotide variant.
Coding change: c.1748-6C>T on transcript NM_001903.5 (MANE Select); 6 bases into the intron before coding-DNA position 1748, C replaced by T.
Molecular consequence: intron variant.
Genome position (GRCh38, 1-based): chr5:138,925,250, C>T. VCF-style: chr5-138925250-C-T. GRCh37 (hg19) VCF-style: chr5-138260939-C-T.
Other names: c.1748-6C>T (NM_001903.2, NM_001323982.2, NM_001323984.2 and 3 more transcripts); c.1655-6C>T (NM_001323986.2); c.1379-6C>T (NM_001290310.3); c.1439-6C>T (NM_001290309.3); c.638-6C>T (NM_001323996.1, NM_001323993.1, NM_001324005.1 and 17 more transcripts); c.299-6C>T (NM_001324007.1, NM_001324009.1, NM_001324006.1 and 2 more transcripts); c.395-6C>T (NM_001324013.1, NM_001324012.1); c.545-6C>T (NM_001324011.1).
Identifiers: ClinVar variation 1113406 (VCV001113406.11), dbSNP rs776698242, ClinGen allele CA3432030.